The following is an entry in ClinVar:

ClinVar aggregate classification (germline): Uncertain significance (1 of 4 stars; one submission).

Conditions:
Beckwith-Wiedemann syndrome (BWS). Also called: Exomphalos macroglossia gigantism syndrome; EMG SYNDROME. Identifiers: Orphanet 116, MedGen C0004903, MONDO:0007534, OMIM 130650.

Allele frequency attached by ClinVar (database versions not stated): gnomAD exomes below 0.00001.
gnomAD v4.1: 1 of 822,582 alleles (0.00012%); highest among the groups gnomAD compares: Non-Finnish European, 0.00015%; no homozygotes.

Submission:

Labcorp Genetics (formerly Invitae), Labcorp
Classification: Uncertain significance for Beckwith-Wiedemann syndrome. Last evaluated: 2021-10-05. Review status: criteria provided, single submitter. Criteria: Invitae Variant Classification Sherloc (09022015). Collection method: clinical testing. Allele origin: germline.
Comment: In summary, the available evidence is currently insufficient to determine the role of this variant in disease. Therefore, it has been classified as a Variant of Uncertain Significance. Algorithms developed to predict the effect of missense changes on protein structure and function are either unavailable or do not agree on the potential impact of this missense change (SIFT: "Tolerated"; PolyPhen-2: "Not Available"; Align-GVGD: "Class C0"). This variant has not been reported in the literature in individuals affected with CDKN1C-related conditions. The frequency data for this variant in the population databases is considered unreliable, as metrics indicate insufficient coverage at this position in the ExAC database. This sequence change replaces alanine with valine at codon 191 of the CDKN1C protein (p.Ala191Val). The alanine residue is weakly conserved and there is a small physicochemical difference between alanine and valine.

NM_001122630.2(CDKN1C):c.539C>T (p.Ala180Val)

Gene: CDKN1C (cyclin dependent kinase inhibitor 1C; minus strand). Cytogenetic location: 11p15.4.
Variant type: single nucleotide variant.
Coding change: c.539C>T on transcript NM_001122630.2 (MANE Select); coding-DNA position 539, C replaced by T.
Protein change: p.Ala180Val; replaces alanine 180 with valine.
Molecular consequence: missense variant. On other transcripts: intron variant (1).
Genome position (GRCh38, 1-based): chr11:2,884,918, G>A on the plus strand (C>T on the coding strand, the complement: CDKN1C is on the minus strand). VCF-style: chr11-2884918-G-A. GRCh37 (hg19) VCF-style: chr11-2906148-G-A.
Other names: c.539C>T, p.Ala180Val (NM_001122631.2); c.572C>T, p.Ala191Val (NM_001362474.2, NM_000076.2); c.255+284C>T (NM_001362475.2); short protein forms A191V, A180V.
Identifiers: ClinVar variation 1467970 (VCV001467970.6), dbSNP rs2133783718, ClinGen allele CA379146439.